The following is an entry in ClinVar:

ClinVar aggregate classification (germline): Pathogenic (1 of 4 stars; one submission).

Conditions:
Hereditary breast ovarian cancer syndrome. Also called: Hereditary breast and ovarian cancer syndrome; Hereditary breast and/or ovarian cancer syndrome; Hereditary breast and ovarian cancer; Hereditary breast and ovarian cancer syndrome (HBOC); Breast and ovarian cancer; BRCA1- and BRCA2-Associated Hereditary Breast and Ovarian Cancer. Identifiers: Orphanet 145, MedGen C0677776, MeSH D061325, MONDO:0003582. Disease mechanism: loss of function.

Submission:

Labcorp Genetics (formerly Invitae), Labcorp
Classification: Pathogenic for Hereditary breast ovarian cancer syndrome. Last evaluated: 2024-12-22. Review status: criteria provided, single submitter. Criteria: Invitae Variant Classification Sherloc (09022015). Collection method: clinical testing. Allele origin: germline.
Comment: This sequence change creates a premature translational stop signal (p.Tyr1762Leufs*6) in the BRCA2 gene. It is expected to result in an absent or disrupted protein product. Loss-of-function variants in BRCA2 are known to be pathogenic (PMID: 20104584). This variant is not present in population databases (gnomAD no frequency). This variant has not been reported in the literature in individuals affected with BRCA2-related conditions. For these reasons, this variant has been classified as Pathogenic.

Literature cited by the submitters: PubMed 20104584.

NM_000059.4(BRCA2):c.5284dup (p.Tyr1762fs)

Gene: BRCA2 (BRCA2 DNA repair associated; plus strand). Cytogenetic location: 13q13.1.
Variant type: Duplication.
Coding change: c.5284dup on transcript NM_000059.4 (MANE Select); coding-DNA position 5284, one base duplicated (T; older notation c.5284dupT).
Protein change: p.Tyr1762fs; shifts the reading frame from tyrosine 1762.
Molecular consequence: frameshift variant. On other transcripts: non-coding transcript variant (1), intron variant (2).
Genome position (GRCh38, 1-based): chr13:32,339,639, T duplicated. VCF-style (leftmost placement, unchanged base first): chr13-32339638-A-AT. GRCh37 (hg19) VCF-style: chr13-32913775-A-AT.
Other names: c.5284dup, p.Tyr1762fs (NM_001406719.1, NM_001406720.1, NM_001432077.1); c.1910-4919dup (NM_001406721.1); c.425-4919dup (NM_001406722.1); short protein forms Y1762fs.
Identifiers: ClinVar variation 3727722 (VCV003727722.2).
Genomic context (GRCh38, chr13:32,339,638, plus strand): 5'-TAACAGTAGCATGTCTAACAGCTATTCCTACCATTCTGATGAGGTATATAATGATTCAGG[A>AT]TATCTCTCAAAAAATAAACTTGATTCTGGTATTGAGCCAGTATTGAAGAATGTTGAAGAT-3'